The following is an entry in ClinVar:

NM_014003.4(DHX38):c.133C>T (p.Arg45Cys)

Gene: DHX38 (DEAH-box helicase 38; plus strand). Cytogenetic location: 16q22.2.
Variant type: single nucleotide variant.
Coding change: c.133C>T on transcript NM_014003.4 (MANE Select); coding-DNA position 133, C replaced by T.
Protein change: p.Arg45Cys; replaces arginine 45 with cysteine.
Molecular consequence: missense variant.
Genome position (GRCh38, 1-based): chr16:72,096,290, C>T. VCF-style: chr16-72096290-C-T. GRCh37 (hg19) VCF-style: chr16-72130189-C-T.
Other names: short protein forms R45C.
Identifiers: ClinVar variation 1946411 (VCV001946411.3), dbSNP rs372776663, ClinGen allele CA8159877.
Genomic context (GRCh38, chr16:72,096,290, plus strand): 5'-CTTATTTGCAAGTCCAAAAGTGCGGCCAGCGAGCAGCATGTCTTCAAGGCTCCTGCTCCC[C>T]GCCCTTCATTACTCGGACTGGACTTGCTGGCTTCCCTGAAACGGAGAGAGCGAGAGGAGA-3'
Protein context (NP_054722.2, residues 35-55): EQHVFKAPAP[Arg45Cys]PSLLGLDLLA

ClinVar aggregate classification (germline): Uncertain significance. Review status: criteria provided, multiple submitters, no conflicts (2 of 4 stars). 2 submissions from 2 submitters: Uncertain significance (2). Last evaluated 2024-10-21.

Allele frequency attached by ClinVar (database versions not stated): ExAC 0.00002; TOPMed 0.00004; gnomAD 0.00006; ESP Exome Variant Server 0.00008.
gnomAD v4.1: 39 of 1,614,038 alleles (0.0024%); highest among the groups gnomAD compares: Admixed American, 0.005%; no homozygotes.

Submissions (2):

Blueprint Genetics
Classification: Uncertain significance. Last evaluated: 2024-10-21. Review status: criteria provided, single submitter. Criteria: ACMG Guidelines, 2015. Collection method: clinical testing. Allele origin: germline.

Labcorp Genetics (formerly Invitae), Labcorp
Classification: Uncertain significance. Last evaluated: 2022-07-15. Review status: criteria provided, single submitter. Criteria: Invitae Variant Classification Sherloc (09022015). Collection method: clinical testing. Allele origin: germline.
Comment: This sequence change replaces arginine, which is basic and polar, with cysteine, which is neutral and slightly polar, at codon 45 of the DHX38 protein (p.Arg45Cys). This variant is present in population databases (rs372776663, gnomAD 0.005%). This variant has not been reported in the literature in individuals affected with DHX38-related conditions. Algorithms developed to predict the effect of missense changes on protein structure and function are either unavailable or do not agree on the potential impact of this missense change (SIFT: "Deleterious"; PolyPhen-2: "Possibly Damaging"; Align-GVGD: "Class C0"). In summary, the available evidence is currently insufficient to determine the role of this variant in disease. Therefore, it has been classified as a Variant of Uncertain Significance.